The following is an entry in ClinVar:

ClinVar aggregate classification (germline): Benign. Review status: criteria provided, multiple submitters, no conflicts (2 of 4 stars). 7 submissions from 7 submitters: Benign (6). 1 of the submissions does not count toward it. Last evaluated 2026-02-04.

Conditions:
Glycogen storage disease, type I. Identifiers: Orphanet 364, MedGen C0017920, MONDO:0002413.
Glucose-6-phosphate transport defect (GSD1B). Also called: Glycogen Storage Disease Type Ib; GSD Ib. Identifiers: Orphanet 364, Orphanet 79259, MedGen C0268146, MONDO:0009288, OMIM 232220.

Allele frequency attached by ClinVar (database versions not stated): gnomAD exomes 0.00447 and 0.01108; ExAC 0.02090; gnomAD 0.04188 and 0.04470; ESP Exome Variant Server 0.04345; TOPMed 0.04847; 1000 Genomes Project 0.05132; 1000 Genomes Project 30x 0.05653.

Submissions (7):

Labcorp Genetics (formerly Invitae), Labcorp
Classification: Benign for Glucose-6-phosphate transport defect. Last evaluated: 2026-02-04. Review status: criteria provided, single submitter. Criteria: Invitae Variant Classification Sherloc (09022015). Collection method: clinical testing. Allele origin: germline.

Mayo Clinic Laboratories, Mayo Clinic
Classification: Benign. Last evaluated: 2019-02-05. Review status: criteria provided, single submitter. Criteria: ACMG Guidelines, 2015. Collection method: clinical testing. Allele origin: germline. Observed: 129 variant alleles.

Illumina Laboratory Services, Illumina
Classification: Benign for Glycogen storage disease, type I. Last evaluated: 2018-01-12. Review status: criteria provided, single submitter. Criteria: ICSL Variant Classification Criteria 13 December 2019. Collection method: clinical testing. Allele origin: germline.
Comment: This variant was observed in the ICSL laboratory as part of a predisposition screen in an ostensibly healthy population. It had not been previously curated by ICSL or reported in the Human Gene Mutation Database (HGMD: prior to June 1st, 2018), and was therefore a candidate for classification through an automated scoring system. Utilizing variant allele frequency, disease prevalence and penetrance estimates, and inheritance mode, an automated score was calculated to assess if this variant is too frequent to cause the disease. Based on the score and internal cut-off values, a variant classified as benign is not then subjected to further curation. The score for this variant resulted in a classification of benign for this disease.

GeneDx
Classification: Benign. Last evaluated: 2014-04-22. Review status: criteria provided, single submitter. Criteria: GeneDx Variant Classification (06012015). Collection method: clinical testing. Allele origin: germline. Affected: yes.
Comment: This variant is considered likely benign or benign based on one or more of the following criteria: it is a conservative change, it occurs at a poorly conserved position in the protein, it is predicted to be benign by multiple in silico algorithms, and/or has population frequency not consistent with disease.

Breakthrough Genomics
Classification: Benign. Review status: criteria provided, single submitter. Criteria: ACMG Guidelines, 2015. Collection method: not provided. Allele origin: germline. Inheritance: Autosomal recessive inheritance. Affected: yes.

PreventionGenetics, part of Exact Sciences
Classification: Benign. Review status: criteria provided, single submitter. Criteria: ACMG Guidelines, 2015. Collection method: clinical testing. Allele origin: germline.

Natera, Inc.
Classification: Benign for Glycogen storage disease type Ib. Last evaluated: 2020-09-16. Review status: no assertion criteria provided. Collection method: clinical testing. Allele origin: germline. Not counted in ClinVar's aggregate classification.

NM_001164277.2(SLC37A4):c.183T>C (p.Ala61=)

Gene: SLC37A4 (solute carrier family 37 member 4; minus strand). Cytogenetic location: 11q23.3.
Variant type: single nucleotide variant.
Coding change: c.183T>C on transcript NM_001164277.2 (MANE Select); coding-DNA position 183, T replaced by C.
Protein change: p.Ala61=; no amino-acid change (alanine 61 retained).
Molecular consequence: synonymous variant. On other transcripts: 5 prime UTR variant (1).
Genome position (GRCh38, 1-based): chr11:119,028,392, A>G on the plus strand (T>C on the coding strand, the complement: SLC37A4 is on the minus strand). VCF-style: chr11-119028392-A-G. GRCh37 (hg19) VCF-style: chr11-118899102-A-G.
Other names: p.A61A:GCT>GCC; p.Ala61=; c.183T>C, p.Ala61= (NM_001164278.2, NM_001164280.2, NM_001467.6); c.-37T>C (NM_001164279.2).
Identifiers: ClinVar variation 139187 (VCV000139187.18), dbSNP rs34123220, ClinGen allele CA293570.